The following is an entry in ClinVar:

NM_182916.3(TRNT1):c.833T>G (p.Phe278Cys)

Gene: TRNT1 (tRNA nucleotidyl transferase 1; plus strand). Cytogenetic location: 3p26.2.
Variant type: single nucleotide variant.
Coding change: c.833T>G on transcript NM_182916.3 (MANE Select); coding-DNA position 833, T replaced by G.
Protein change: p.Phe278Cys; replaces phenylalanine 278 with cysteine.
Molecular consequence: missense variant. On other transcripts: non-coding transcript variant (8).
Genome position (GRCh38, 1-based): chr3:3,147,480, T>G. VCF-style: chr3-3147480-T-G. GRCh37 (hg19) VCF-style: chr3-3189164-T-G.
Other names: c.773T>G, p.Phe258Cys (NM_001302946.2); c.833T>G, p.Phe278Cys (NM_001367321.1, NM_001367322.1, NM_001367323.1); short protein forms F278C, F258C.
Identifiers: ClinVar variation 1426733 (VCV001426733.8), dbSNP rs1424196039, ClinGen allele CA351447406.

ClinVar aggregate classification (germline): Uncertain significance (1 of 4 stars; one submission).

Conditions:
Congenital sideroblastic anemia-B-cell immunodeficiency-periodic fever-developmental delay syndrome. Also called: Sideroblastic anemia with B-cell immunodeficiency, periodic fevers, and developmental delay. Identifiers: Orphanet 369861, MedGen C4015172, MONDO:0014487, OMIM 616084.

Allele frequency attached by ClinVar (database versions not stated): TOPMed below 0.00001; gnomAD 0.00001; gnomAD exomes 0.00002.
gnomAD v4.1: 28 of 1,613,634 alleles (0.0017%); highest among the groups gnomAD compares: Non-Finnish European, 0.0024%; no homozygotes.

Submission:

Labcorp Genetics (formerly Invitae), Labcorp
Classification: Uncertain significance for Congenital sideroblastic anemia-B-cell immunodeficiency-periodic fever-developmental delay syndrome. Last evaluated: 2023-08-10. Review status: criteria provided, single submitter. Criteria: Invitae Variant Classification Sherloc (09022015). Collection method: clinical testing. Allele origin: germline.
Comment: This sequence change replaces phenylalanine, which is neutral and non-polar, with cysteine, which is neutral and slightly polar, at codon 278 of the TRNT1 protein (p.Phe278Cys). This variant is not present in population databases (gnomAD no frequency). This variant has not been reported in the literature in individuals affected with TRNT1-related conditions. ClinVar contains an entry for this variant (Variation ID: 1426733). Advanced modeling of protein sequence and biophysical properties (such as structural, functional, and spatial information, amino acid conservation, physicochemical variation, residue mobility, and thermodynamic stability) performed at Invitae indicates that this missense variant is not expected to disrupt TRNT1 protein function. In summary, the available evidence is currently insufficient to determine the role of this variant in disease. Therefore, it has been classified as a Variant of Uncertain Significance.